The following is an entry in ClinVar:

ClinVar aggregate classification (germline): Benign/Likely benign. Review status: criteria provided, multiple submitters, no conflicts (2 of 4 stars). 2 submissions from 2 submitters: Benign (1); Likely benign (1). Last evaluated 2026-03-01.

Conditions:
Marshall-Smith syndrome (MRSHSS). Identifiers: Orphanet 561, MedGen C0265211, MONDO:0011244, OMIM 602535.
Malan overgrowth syndrome (MALNS). Also called: Sotos syndrome 2; NFIX-Related Malan Syndrome; MALAN SYNDROME. Identifiers: Orphanet 420179, MedGen C3553660, MONDO:0013885, OMIM 614753.

Allele frequency attached by ClinVar (database versions not stated): gnomAD exomes 0.00007 and 0.00019; gnomAD 0.00011 and 0.00013; TOPMed 0.00016; ExAC 0.00023.
gnomAD v4.1: 118 of 1,599,182 alleles (0.0074%); highest among the groups gnomAD compares: Admixed American, 0.1%; no homozygotes.

Submissions (2):

CeGaT Center for Human Genetics Tuebingen
Classification: Likely benign. Last evaluated: 2026-03-01. Review status: criteria provided, single submitter. Criteria: CeGaT Center For Human Genetics Tuebingen Variant Classification Criteria Version 2. Collection method: clinical testing. Allele origin: germline. Affected: yes. Observed: 1 variant allele.
Comment: NFIX: BP4, BP7

Labcorp Genetics (formerly Invitae), Labcorp
Classification: Benign for Malan overgrowth syndrome; Marshall-Smith syndrome. Last evaluated: 2025-12-16. Review status: criteria provided, single submitter. Criteria: Invitae Variant Classification Sherloc (09022015). Collection method: clinical testing. Allele origin: germline.

NM_001365902.3(NFIX):c.1026G>A (p.Pro342=)

Gene: NFIX (nuclear factor I X; plus strand). Cytogenetic location: 19p13.13.
Variant type: single nucleotide variant.
Coding change: c.1026G>A on transcript NM_001365902.3 (MANE Select); coding-DNA position 1026, G replaced by A.
Protein change: p.Pro342=; no amino-acid change (proline 342 retained).
Molecular consequence: synonymous variant. On other transcripts: intron variant (1).
Genome position (GRCh38, 1-based): chr19:13,078,683, G>A. VCF-style: chr19-13078683-G-A. GRCh37 (hg19) VCF-style: chr19-13189497-G-A.
Other names: c.1050G>A, p.Pro350= (NM_001271043.2); c.1002G>A, p.Pro334= (NM_001271044.3, NM_001378404.1); c.885G>A, p.Pro295= (NM_001365983.2); c.1023G>A, p.Pro341= (NM_001365984.2, NM_001365985.2); c.1074G>A, p.Pro358= (NM_001378405.1); c.1026G>A, p.Pro342= (NM_002501.4); c.956-2997G>A (NM_001365982.2).
Identifiers: ClinVar variation 1613310 (VCV001613310.12), dbSNP rs774838479, ClinGen allele CA9237121.
Genomic context (GRCh38, chr19:13,078,683, plus strand): 5'-TCTAAAGAAGTCAGGAAAGCTGGACTTCTGCAGTGCCCTCTCCTCTCAGGGCAGCTCCCC[G>A]CGCATGGCTTTCACCCACCACCCGCTGCCTGTGCTTGCTGGAGTCAGACCAGGTGAGAAA-3'
Protein context (NP_001352831.1, residues 332-352): CSALSSQGSS[Pro342=]RMAFTHHPLP